The following is an entry in ClinVar:

NM_007294.4(BRCA1):c.3542del (p.Val1181fs)

Genes: BRCA1 (BRCA1 DNA repair associated; minus strand), LOC126862571 (BRD4-independent group 4 enhancer GRCh37_chr17:41243136-41244335; plus strand). Cytogenetic location: 17q21.31.
Variant type: Deletion.
Coding change: c.3542del on transcript NM_007294.4 (MANE Select); coding-DNA position 3542, one base deleted (T; older notation c.3542delT).
Protein change: p.Val1181fs; shifts the reading frame from valine 1181.
Molecular consequence: frameshift variant. On other transcripts: intron variant (135).
Genome position (GRCh38, 1-based): chr17:43,091,989, A deleted on the plus strand (T on the coding strand, the reverse complement: BRCA1 is on the minus strand). VCF-style (leftmost placement, unchanged base first): chr17-43091988-GA-G. GRCh37 (hg19) VCF-style: chr17-41244005-GA-G.
Other names: NM_007294.4:c.3541del; c.578-957del (NM_001408481.1, NM_001408480.1, NM_001408492.1 and 9 more transcripts); c.779-957del (NM_001408408.1); c.662-957del (NM_001408446.1, NM_001408435.1, NM_001408448.1 and 6 more transcripts); c.785-957del (NM_001408401.1, NM_001408396.1, NM_001407985.1 and 13 more transcripts); c.548-957del (NM_001408494.1); c.665-957del (NM_001408444.1, NM_001408438.1, NM_001408430.1 and 12 more transcripts); c.671-957del (NM_001408423.1, NM_001408420.1, NM_001408419.1 and 2 more transcripts); and 42 more; short protein forms V1013fs, V1053fs, V1054fs, V1069fs, V1070fs, V1092fs, V1093fs, V1110fs.
Identifiers: ClinVar variation 4540577 (VCV004540577.1).

ClinVar aggregate classification (germline): Likely pathogenic (0 of 4 stars; one submission).

Conditions:
Breast-ovarian cancer, familial, susceptibility to, 1 (BROVCA1). Also called: OVARIAN CANCER, SUSCEPTIBILITY TO; BRCA1 Hereditary Breast and Ovarian Cancer. Identifiers: Orphanet 145, MedGen C2676676, MONDO:0011450, OMIM 604370. Disease mechanism: loss of function.

Submission:

Molecular Medicine Laboratory, Quaid i Azam University
Classification: Likely pathogenic for Breast-ovarian cancer, familial, susceptibility to, 1. Last evaluated: 2025-12-24. Review status: no assertion criteria provided. Collection method: research. Allele origin: unknown. Inheritance: Autosomal dominant inheritance. Affected: yes. Observed: 2 variant alleles, 2 homozygotes. Clinical features observed: Breast carcinoma (HP:0003002).
Comment: The frameshift deletion results in a predicted loss of function of BRCA1, a tumor suppressor gene with a well-established loss-of-function disease mechanism. The variant is not located in the last exon and is predicted to undergo nonsense-mediated mRNA decay. The variant was absent from population databases including gnomAD. According to ACMG/AMP guidelines, the variant was classified as likely pathogenic (PVS1, PM2).